The following is an entry in ClinVar:

NM_001378030.1(CCDC78):c.73G>A (p.Ala25Thr)

Gene: CCDC78 (coiled-coil domain containing 78; minus strand). Cytogenetic location: 16p13.3.
Variant type: single nucleotide variant.
Coding change: c.73G>A on transcript NM_001378030.1 (MANE Select); coding-DNA position 73, G replaced by A.
Protein change: p.Ala25Thr; replaces alanine 25 with threonine.
Molecular consequence: missense variant. On other transcripts: 5 prime UTR variant (1), non-coding transcript variant (5).
Genome position (GRCh38, 1-based): chr16:726,073, C>T on the plus strand (G>A on the coding strand, the complement: CCDC78 is on the minus strand). VCF-style: chr16-726073-C-T. GRCh37 (hg19) VCF-style: chr16-776073-C-T.
Other names: c.73G>A, p.Ala25Thr (NM_001031737.3, NM_001378031.1); c.-213G>A (NM_001378033.1); short protein forms A25T.
Identifiers: ClinVar variation 3619588 (VCV003619588.2).

ClinVar aggregate classification (germline): Uncertain significance (1 of 4 stars; one submission).

Conditions:
Congenital myopathy with internal nuclei and atypical cores. Also called: Myopathy, centronuclear, 4. Identifiers: Orphanet 319160, MedGen C4707232, MONDO:0013890, OMIM 614807.

gnomAD v4.1: 1 of 1,548,722 alleles (0.000065%); highest among the groups gnomAD compares: Admixed American, 0.002%; no homozygotes.

Submission:

Labcorp Genetics (formerly Invitae), Labcorp
Classification: Uncertain significance for Congenital myopathy with internal nuclei and atypical cores. Last evaluated: 2024-10-27. Review status: criteria provided, single submitter. Criteria: Invitae Variant Classification Sherloc (09022015). Collection method: clinical testing. Allele origin: germline.
Comment: This sequence change replaces alanine, which is neutral and non-polar, with threonine, which is neutral and polar, at codon 25 of the CCDC78 protein (p.Ala25Thr). This variant is not present in population databases (gnomAD no frequency). This variant has not been reported in the literature in individuals affected with CCDC78-related conditions. Invitae Evidence Modeling of protein sequence and biophysical properties (such as structural, functional, and spatial information, amino acid conservation, physicochemical variation, residue mobility, and thermodynamic stability) indicates that this missense variant is not expected to disrupt CCDC78 protein function with a negative predictive value of 80%. In summary, the available evidence is currently insufficient to determine the role of this variant in disease. Therefore, it has been classified as a Variant of Uncertain Significance.